The following is an entry in ClinVar:

ClinVar aggregate classification (germline): Uncertain significance (1 of 4 stars; one submission).

Conditions:
Hereditary nonpolyposis colorectal neoplasms. Identifiers: MedGen C0009405, MeSH D003123.

Submission:

Labcorp Genetics (formerly Invitae), Labcorp
Classification: Uncertain significance for Hereditary nonpolyposis colorectal neoplasms. Last evaluated: 2017-01-17. Review status: criteria provided, single submitter. Criteria: Invitae Variant Classification Sherloc (09022015). Collection method: clinical testing. Allele origin: germline.
Comment: In summary, this variant is a novel missense change that is not predicted to affect protein function. There is no indication that it causes disease, but the available evidence is currently insufficient to prove that conclusively. Therefore, it has been classified as a Variant of Uncertain Significance. Algorithms developed to predict the effect of missense changes on protein structure and function output the following: (SIFT: "Tolerated"; PolyPhen-2: "Benign"; Align-GVGD: "Class C0"). The proline amino acid residue is found in multiple mammalian species, suggesting that this missense change does not adversely affect protein function. These predictions have not been confirmed by published functional studies. This variant is not present in population databases (ExAC no frequency) and has not been reported in the literature in individuals with a PMS2-related disease. This sequence change replaces serine with proline at codon 547 of the PMS2 protein (p.Ser547Pro). The serine residue is weakly conserved and there is a moderate physicochemical difference between serine and proline.

NM_000535.7(PMS2):c.1639T>C (p.Ser547Pro)

Gene: PMS2 (PMS1 homolog 2, mismatch repair system component; minus strand). Cytogenetic location: 7p22.1.
Variant type: single nucleotide variant.
Coding change: c.1639T>C on transcript NM_000535.7 (MANE Select); coding-DNA position 1639, T replaced by C.
Protein change: p.Ser547Pro; replaces serine 547 with proline.
Molecular consequence: missense variant. On other transcripts: non-coding transcript variant (1).
Genome position (GRCh38, 1-based): chr7:5,987,126, A>G on the plus strand (T>C on the coding strand, the complement: PMS2 is on the minus strand). VCF-style: chr7-5987126-A-G. GRCh37 (hg19) VCF-style: chr7-6026757-A-G.
Other names: c.1234T>C, p.Ser412Pro (NM_001322003.2, NM_001322004.2, NM_001322005.2 and 1 more transcripts); c.1483T>C, p.Ser495Pro (NM_001322006.2); c.1321T>C, p.Ser441Pro (NM_001322007.2, NM_001322008.2); c.1078T>C, p.Ser360Pro (NM_001322010.2); c.706T>C, p.Ser236Pro (NM_001322011.2, NM_001322012.2); c.1066T>C, p.Ser356Pro (NM_001322013.2); c.1639T>C, p.Ser547Pro (NM_001322014.2); c.1330T>C, p.Ser444Pro (NM_001322015.2); short protein forms S547P, S412P, S441P, S444P, S495P, S236P, S356P, S360P.
Identifiers: ClinVar variation 455665 (VCV000455665.8), dbSNP rs1554297423, ClinGen allele CA366741426.